The following is an entry in ClinVar:

ClinVar aggregate classification (germline): Uncertain significance. Review status: criteria provided, multiple submitters, no conflicts (2 of 4 stars). 3 submissions from 3 submitters: Uncertain significance (3). Last evaluated 2023-12-26.

Conditions:
Inborn genetic diseases. Identifiers: MedGen C0950123, MeSH D030342.

Allele frequency attached by ClinVar (database versions not stated): gnomAD exomes below 0.00001; gnomAD 0.00003; TOPMed 0.00005.
gnomAD v4.1: 9 of 1,613,390 alleles (0.00056%); highest among the groups gnomAD compares: Admixed American, 0.015%; no homozygotes.

Submissions (3):

Ambry Genetics
Classification: Uncertain significance for Inborn genetic diseases. Last evaluated: 2023-12-26. Review status: criteria provided, single submitter. Criteria: Ambry Variant Classification Scheme 2023. Collection method: clinical testing. Allele origin: germline.

Labcorp Genetics (formerly Invitae), Labcorp
Classification: Uncertain significance. Last evaluated: 2022-10-18. Review status: criteria provided, single submitter. Criteria: Invitae Variant Classification Sherloc (09022015). Collection method: clinical testing. Allele origin: germline.
Comment: This sequence change replaces aspartic acid, which is acidic and polar, with glutamic acid, which is acidic and polar, at codon 767 of the TBCK protein (p.Asp767Glu). This variant is present in population databases (no rsID available, gnomAD 0.003%). This variant has not been reported in the literature in individuals affected with TBCK-related conditions. ClinVar contains an entry for this variant (Variation ID: 1372218). Advanced modeling of protein sequence and biophysical properties (such as structural, functional, and spatial information, amino acid conservation, physicochemical variation, residue mobility, and thermodynamic stability) performed at Invitae indicates that this missense variant is not expected to disrupt TBCK protein function. In summary, the available evidence is currently insufficient to determine the role of this variant in disease. Therefore, it has been classified as a Variant of Uncertain Significance.

Breakthrough Genomics
Classification: Uncertain significance. Review status: criteria provided, single submitter. Criteria: ACMG Guidelines, 2015. Collection method: not provided. Allele origin: germline. Inheritance: Autosomal recessive inheritance. Affected: yes.

NM_001163435.3(TBCK):c.2301C>A (p.Asp767Glu)

Gene: TBCK (TBC1 domain containing kinase; minus strand). Cytogenetic location: 4q24.
Variant type: single nucleotide variant.
Coding change: c.2301C>A on transcript NM_001163435.3 (MANE Select); coding-DNA position 2301, C replaced by A.
Protein change: p.Asp767Glu; replaces aspartic acid 767 with glutamic acid.
Molecular consequence: missense variant.
Genome position (GRCh38, 1-based): chr4:106,116,313, G>T on the plus strand (C>A on the coding strand, the complement: TBCK is on the minus strand). VCF-style: chr4-106116313-G-T. GRCh37 (hg19) VCF-style: chr4-107037470-G-T.
Other names: c.2301C>A, p.Asp767Glu (NM_001163436.4); c.2184C>A, p.Asp728Glu (NM_001163437.3); c.1785C>A, p.Asp595Glu (NM_001290768.2); c.2112C>A, p.Asp704Glu (NM_033115.5); c.2301C>A (NM_001163435.1); short protein forms D704E, D728E, D767E, D595E.
Identifiers: ClinVar variation 1372218 (VCV001372218.5), dbSNP rs933567080, ClinGen allele CA103415044.
Genomic context (GRCh38, chr4:106,116,313, plus strand): 5'-TGTTTTCTTGCTGGGTGTTTTGAAGTGGCCTGTCACTGTGAGCTCACACAAGTCAATCAG[G>T]TCCTCTGCTGAAATCCGTGGTGATACTTCTGACTTCAGGTCATTTAATGGGATGGATTCT-3'
Protein context (NP_001156907.2, residues 757-777): SEVSPRISAE[Asp767Glu]LIDLCELTVT